The following is an entry in ClinVar:

NM_003079.5(SMARCE1):c.411del (p.Ala138fs)

Gene: SMARCE1 (SWI/SNF related BAF chromatin remodeling complex subunit E1; minus strand). Cytogenetic location: 17q21.2.
Variant type: Deletion.
Coding change: c.411del on transcript NM_003079.5 (MANE Select); coding-DNA position 411, one base deleted (C; older notation c.411delC).
Protein change: p.Ala138fs; shifts the reading frame from alanine 138.
Molecular consequence: frameshift variant.
Genome position (GRCh38, 1-based): chr17:40,636,061, G deleted on the plus strand (C on the coding strand, the reverse complement: SMARCE1 is on the minus strand); the first of 5 consecutive G bases (chr17:40,636,061-40,636,065); deleting any one gives the same sequence. VCF-style (leftmost placement, unchanged base first): chr17-40636060-CG-C. GRCh37 (hg19) VCF-style: chr17-38792312-CG-C.
Other names: c.411delC (NM_003079.4); short protein forms A138fs.
Identifiers: ClinVar variation 1737991 (VCV001737991.2), dbSNP rs2508603762, ClinGen allele CA2580093781.

ClinVar aggregate classification (germline): Pathogenic (1 of 4 stars; one submission).

Conditions:
Hereditary cancer-predisposing syndrome. Also called: Neoplastic Syndromes, Hereditary; Tumor predisposition; Hereditary Cancer Syndrome; Hereditary neoplastic syndrome. Identifiers: Orphanet 140162, MedGen C0027672, MeSH D009386, MONDO:0015356.

Submission:

Ambry Genetics
Classification: Pathogenic for Hereditary cancer-predisposing syndrome. Last evaluated: 2021-07-09. Review status: criteria provided, single submitter. Criteria: Ambry Variant Classification Scheme 2023. Collection method: clinical testing. Allele origin: germline.
Comment: The c.411delC pathogenic mutation, located in coding exon 6 of the SMARCE1 gene, results from a deletion of one nucleotide at nucleotide position 411, causing a translational frameshift with a predicted alternate stop codon (p.A138Rfs*6). This alteration is expected to result in loss of function by premature protein truncation or nonsense-mediated mRNA decay. Loss-of-function variants in SMARCE1 are known to cause increased risk of meningiomas; however, such associations with neurodevelopmental disorders are exceedingly rare (Kosho T et al. Am J Med Genet C Semin Med Genet. 2014 Sep;166C(3):262-75; Smith JM et al. Nat Genet. 2013 Mar;45(3):295-8). Based on the supporting evidence, this alteration is pathogenic for an increased risk of meningiomas; however, the association of this alteration with Coffin-Siris syndrome is unlikely.